The following is an entry in ClinVar:

NM_000388.4(CASR):c.2686C>T (p.Arg896Cys)

Gene: CASR (calcium sensing receptor; plus strand). Cytogenetic location: 3q21.1.
Variant type: single nucleotide variant.
Coding change: c.2686C>T on transcript NM_000388.4 (MANE Select); coding-DNA position 2686, C replaced by T.
Protein change: p.Arg896Cys; replaces arginine 896 with cysteine.
Molecular consequence: missense variant.
Genome position (GRCh38, 1-based): chr3:122,284,640, C>T. VCF-style: chr3-122284640-C-T. GRCh37 (hg19) VCF-style: chr3-122003487-C-T.
Other names: c.2716C>T, p.Arg906Cys (NM_001178065.2); c.2686C>T (NM_000388.3); short protein forms R906C, R896C.
Identifiers: ClinVar variation 1446470 (VCV001446470.8), dbSNP rs749125441, ClinGen allele CA2569847.
Genomic context (GRCh38, chr3:122,284,640, plus strand): 5'-ACCGCAGCTCACGCTTTCAAGGTGGCTGCCCGGGCCACGCTGCGCCGCAGCAACGTCTCC[C>T]GCAAGCGGTCCAGCAGCCTTGGAGGCTCCACGGGATCCACCCCCTCCTCCTCCATCAGCA-3'
Protein context (NP_000379.3, residues 886-906): RATLRRSNVS[Arg896Cys]KRSSSLGGST

ClinVar aggregate classification (germline): Uncertain significance. Review status: criteria provided, multiple submitters, no conflicts (2 of 4 stars). 3 submissions from 3 submitters: Uncertain significance (3). Last evaluated 2023-08-29.

Conditions:
Familial hypocalciuric hypercalcemia (FHH). Also called: Familial benign hypercalcemia. Identifiers: Orphanet 405, MedGen C1809471, MONDO:0018458.
Autosomal dominant hypocalcemia 1 (HYPOC1). Also called: HYPOCALCEMIA, FAMILIAL. Identifiers: MedGen C3715128, MONDO:0011013, OMIM 601198.
Epilepsy, idiopathic generalized, susceptibility to, 8. Identifiers: MedGen C2752062, MONDO:0013032, OMIM 612899.
Familial hypocalciuric hypercalcemia 1. Also called: Hypercalcemia, familial benign type 1. Identifiers: Orphanet 405, Orphanet 93372, MedGen C0342637, MONDO:0007791, OMIM 145980.
Neonatal severe primary hyperparathyroidism. Identifiers: Orphanet 417, MedGen C1832615, MONDO:0009397, OMIM 239200.
Nephrolithiasis/nephrocalcinosis. Identifiers: MedGen CN580796.

Allele frequency attached by ClinVar (database versions not stated): gnomAD exomes below 0.00001.
gnomAD v4.1: 3 of 1,614,002 alleles (0.00019%); highest among the groups gnomAD compares: East Asian, 0.0022%; no homozygotes.

Submissions (3):

Ambry Genetics
Classification: Uncertain significance for Nephrolithiasis/nephrocalcinosis. Last evaluated: 2023-08-29. Review status: criteria provided, single submitter. Criteria: Ambry Variant Classification Scheme 2023. Collection method: clinical testing. Allele origin: germline.
Comment: The p.R896C variant (also known as c.2686C>T), located in coding exon 6 of the CASR gene, results from a C to T substitution at nucleotide position 2686. The arginine at codon 896 is replaced by cysteine, an amino acid with highly dissimilar properties. This amino acid position is conserved. In addition, the in silico prediction for this alteration is inconclusive. Since supporting evidence is limited at this time, the clinical significance of this alteration remains unclear.

Labcorp Genetics (formerly Invitae), Labcorp
Classification: Uncertain significance for Familial hypocalciuric hypercalcemia; Autosomal dominant hypocalcemia 1. Last evaluated: 2022-10-05. Review status: criteria provided, single submitter. Criteria: Invitae Variant Classification Sherloc (09022015). Collection method: clinical testing. Allele origin: germline.
Comment: This variant is present in population databases (rs749125441, gnomAD 0.006%). In summary, the available evidence is currently insufficient to determine the role of this variant in disease. Therefore, it has been classified as a Variant of Uncertain Significance. Algorithms developed to predict the effect of missense changes on protein structure and function (SIFT, PolyPhen-2, Align-GVGD) all suggest that this variant is likely to be disruptive. ClinVar contains an entry for this variant (Variation ID: 1446470). This variant has not been reported in the literature in individuals affected with CASR-related conditions. This sequence change replaces arginine, which is basic and polar, with cysteine, which is neutral and slightly polar, at codon 896 of the CASR protein (p.Arg896Cys).

Fulgent Genetics
Classification: Uncertain significance for Familial hypocalciuric hypercalcemia 1; Neonatal severe primary hyperparathyroidism; Autosomal dominant hypocalcemia 1; Epilepsy, idiopathic generalized, susceptibility to, 8. Last evaluated: 2022-05-14. Review status: criteria provided, single submitter. Criteria: ACMG Guidelines, 2015. Collection method: clinical testing. Allele origin: unknown.